The following is an entry in ClinVar:

ClinVar aggregate classification (germline): Likely benign. Review status: criteria provided, multiple submitters, no conflicts (2 of 4 stars). 3 submissions from 3 submitters: Likely benign (2). 1 of the submissions does not count toward it. Last evaluated 2026-01-12.

Conditions:
TUBGCP6-related disorder. Also called: TUBGCP6-related condition.

Allele frequency attached by ClinVar (database versions not stated): TOPMed 0.00004; gnomAD 0.00005; ExAC 0.00007; ESP Exome Variant Server 0.00008; gnomAD exomes 0.00012.
gnomAD v4.1: 63 of 1,613,936 alleles (0.0039%); highest among the groups gnomAD compares: Admixed American, 0.025%; no homozygotes.

Submissions (3):

Labcorp Genetics (formerly Invitae), Labcorp
Classification: Likely benign. Last evaluated: 2026-01-12. Review status: criteria provided, single submitter. Criteria: Invitae Variant Classification Sherloc (09022015). Collection method: clinical testing. Allele origin: germline.

Blueprint Genetics
Classification: Likely benign. Last evaluated: 2023-03-21. Review status: criteria provided, single submitter. Criteria: ACMG Guidelines, 2015. Collection method: clinical testing. Allele origin: germline.

PreventionGenetics, part of Exact Sciences
Classification: Likely benign for TUBGCP6-related condition. Last evaluated: 2021-11-04. Review status: no assertion criteria provided. Collection method: clinical testing. Allele origin: germline. Not counted in ClinVar's aggregate classification.
Comment: This variant is classified as likely benign based on ACMG/AMP sequence variant interpretation guidelines (Richards et al. 2015 PMID: 25741868, with internal and published modifications).

NM_020461.4(TUBGCP6):c.4782C>T (p.Asn1594=)

Gene: TUBGCP6 (tubulin gamma complex component 6; minus strand). Cytogenetic location: 22q13.33.
Variant type: single nucleotide variant.
Coding change: c.4782C>T on transcript NM_020461.4 (MANE Select); coding-DNA position 4782, C replaced by T.
Protein change: p.Asn1594=; no amino-acid change (asparagine 1594 retained).
Molecular consequence: synonymous variant.
Genome position (GRCh38, 1-based): chr22:50,218,742, G>A on the plus strand (C>T on the coding strand, the complement: TUBGCP6 is on the minus strand). VCF-style: chr22-50218742-G-A. GRCh37 (hg19) VCF-style: chr22-50657171-G-A.
Other names: c.4782C>T (NM_020461.3).
Identifiers: ClinVar variation 1159662 (VCV001159662.12), dbSNP rs141350146, ClinGen allele CA10307345.
Genomic context (GRCh38, chr22:50,218,742, plus strand): 5'-GCGGCCAGGGCTGCTGCTGACCTTGTACCTGAGCTCCAGGCAGCTCAGCACATCCGGGGC[G>A]TTGGGGGCAAACACCTCGGGCAGGTACTTGAGAGCGAGGGAGAGGTTGGAGGCGTGCGGG-3'
Protein context (NP_065194.3, residues 1584-1604): LKYLPEVFAP[Asn1594=]APDVLSCLEL